The following is an entry in ClinVar:

ClinVar aggregate classification (germline): Pathogenic (1 of 4 stars; one submission).

Conditions:
Inborn genetic diseases. Identifiers: MedGen C0950123, MeSH D030342.

Submission:

Ambry Genetics
Classification: Pathogenic for Inborn genetic diseases. Last evaluated: 2024-07-24. Review status: criteria provided, single submitter. Criteria: Ambry Variant Classification Scheme 2023. Collection method: clinical testing. Allele origin: germline.
Comment: The c.1406_1416del11 (p.P469Qfs*12) alteration, located in exon 9 (coding exon 8) of the NRXN1 gene, consists of a deletion of 11 nucleotides from position 1406 to 1416, causing a translational frameshift with a predicted alternate stop codon after 12 amino acids. This alteration is expected to result in loss of function by premature protein truncation or nonsense-mediated mRNA decay. This variant was not reported in population-based cohorts in the Genome Aggregation Database (gnomAD). Based on the available evidence, this alteration is classified as pathogenic.

NM_001330078.2(NRXN1):c.1286_1296del (p.Pro429fs)

Gene: NRXN1 (neurexin 1; minus strand). Cytogenetic location: 2p16.3.
Variant type: Deletion.
Coding change: c.1286_1296del on transcript NM_001330078.2 (MANE Select); coding-DNA positions 1286 to 1296, 11 bases deleted (CAGTCAGTAAC).
Protein change: p.Pro429fs; shifts the reading frame from proline 429.
Molecular consequence: frameshift variant.
Genome position (GRCh38, 1-based): chr2:50,620,046-50,620,056, GTTACTGACTG deleted on the plus strand (CAGTCAGTAAC on the coding strand, the reverse complement: NRXN1 is on the minus strand); deleting any 11 consecutive bases within chr2:50,620,046-50,620,058 gives the same sequence; the c. name uses the placement nearest the transcript's 3' end. VCF-style (leftmost placement, unchanged base first): chr2-50620045-TGTTACTGACTG-T. GRCh37 (hg19) VCF-style: chr2-50847183-TGTTACTGACTG-T.
Other names: c.1406_1416del, p.Pro469fs (NM_001135659.3); c.1262_1272del, p.Pro421fs (NM_001330077.2, NM_001330082.2, NM_001330095.2); c.1247_1257del, p.Pro416fs (NM_001330083.2, NM_001330084.2); c.1286_1296del, p.Pro429fs (NM_001330085.2, NM_001330086.2, NM_004801.6); c.1202_1212del, p.Pro401fs (NM_001330087.2, NM_001330096.2); c.1232_1242del, p.Pro411fs (NM_001330088.2); c.1283_1293del, p.Pro428fs (NM_001330093.2); c.1274_1284del, p.Pro425fs (NM_001330094.2); short protein forms P416fs, P425fs, P428fs, P429fs, P401fs, P421fs, P411fs, P469fs.
Identifiers: ClinVar variation 3407913 (VCV003407913.1).